The following is an entry in ClinVar:

ClinVar aggregate classification (germline): Uncertain significance (1 of 4 stars; one submission).

Conditions:
Catecholaminergic polymorphic ventricular tachycardia 1. Also called: VENTRICULAR TACHYCARDIA, CATECHOLAMINERGIC POLYMORPHIC, 1, WITH OR WITHOUT ATRIAL DYSFUNCTION AND/OR DILATED CARDIOMYOPATHY; RYR2-Related Catecholaminergic Polymorphic Ventricular Tachycardia; VENTRICULAR TACHYCARDIA, STRESS-INDUCED POLYMORPHIC 1. Identifiers: Orphanet 3286, MedGen C1631597, MONDO:0011484, OMIM 604772.

Submission:

Labcorp Genetics (formerly Invitae), Labcorp
Classification: Uncertain significance for Catecholaminergic polymorphic ventricular tachycardia 1. Last evaluated: 2020-06-04. Review status: criteria provided, single submitter. Criteria: Invitae Variant Classification Sherloc (09022015). Collection method: clinical testing. Allele origin: germline.
Comment: This variant has not been reported in the literature in individuals with RYR2-related conditions. This sequence change creates a premature translational stop signal (p.Gly3824*) in the RYR2 gene. It is expected to result in an absent or disrupted protein product. This variant is not present in population databases (ExAC no frequency). The current clinical and genetic evidence is not sufficient to establish whether loss-of-function variants in RYR2 cause disease. In summary, the available evidence is currently insufficient to determine the role of this variant in disease. Therefore, it has been classified as a Variant of Uncertain Significance.

NM_001035.3(RYR2):c.11470G>T (p.Gly3824Ter)

Gene: RYR2 (ryanodine receptor 2; plus strand). Cytogenetic location: 1q43.
Variant type: single nucleotide variant.
Coding change: c.11470G>T on transcript NM_001035.3 (MANE Select); coding-DNA position 11470, G replaced by T.
Protein change: p.Gly3824Ter; replaces glycine 3824 with a stop codon.
Molecular consequence: nonsense.
Genome position (GRCh38, 1-based): chr1:237,761,022, G>T. VCF-style: chr1-237761022-G-T. GRCh37 (hg19) VCF-style: chr1-237924322-G-T.
Other names: short protein forms G3824*.
Identifiers: ClinVar variation 1061764 (VCV001061764.8), dbSNP rs2149277250, ClinGen allele CA345430170.